The following is an entry in ClinVar:

NM_000432.4(MYL2):c.141C>A (p.Asn47Lys)

Gene: MYL2 (myosin light chain 2; minus strand). Cytogenetic location: 12q24.11.
Variant type: single nucleotide variant.
Coding change: c.141C>A on transcript NM_000432.4 (MANE Select); coding-DNA position 141, C replaced by A.
Protein change: p.Asn47Lys; replaces asparagine 47 with lysine.
Molecular consequence: missense variant.
Genome position (GRCh38, 1-based): chr12:110,915,743, G>T on the plus strand (C>A on the coding strand, the complement: MYL2 is on the minus strand). VCF-style: chr12-110915743-G-T. GRCh37 (hg19) VCF-style: chr12-111353547-G-T.
Other names: short protein forms N47K.
Identifiers: ClinVar variation 31766 (VCV000031766.49), dbSNP rs199474808, ClinGen allele CA009871.

ClinVar aggregate classification (germline): Conflicting classifications of pathogenicity. Review status: criteria provided, conflicting classifications (1 of 4 stars). 20 submissions from 20 submitters: Uncertain significance (15); Likely benign (3). 2 of the submissions do not count toward it. Last evaluated 2025-12-29.

Conditions:
Hypertrophic cardiomyopathy 10. Also called: CARDIOMYOPATHY, HYPERTROPHIC, MID-LEFT VENTRICULAR CHAMBER TYPE, 2; MYL2-Related Familial Hypertrophic Cardiomyopathy. Identifiers: MedGen C1834460, MONDO:0012112, OMIM 608758.
Myopathy, myofibrillar, 12, infantile-onset, with cardiomyopathy. Identifiers: MedGen C5561937, MONDO:0859168, OMIM 619424.
Cardiovascular phenotype. Identifiers: MedGen CN230736.
Cardiomyopathy (CMYO). Also called: Cardiomyopathies. Identifiers: Orphanet 167848, MedGen C0878544, MONDO:0004994, HP:0001638. Inheritance: Various modes of inheritance.
Hypertrophic cardiomyopathy 1 (CMH1). Also called: MYH7-Related Familial Hypertrophic Cardiomyopathy; Familial hypertrophic cardiomyopathy 1. Identifiers: MedGen C3495498, MONDO:0008647, OMIM 192600.
Primary familial hypertrophic cardiomyopathy (HCM). Identifiers: Orphanet 99739, MedGen C0949658, MeSH D024741, MONDO:0024573. Inheritance: Various modes of inheritance.
Death in infancy. Identifiers: MedGen C1858430, HP:0001522.
Hypertrophic cardiomyopathy. Also called: HYPERTROPHIC MYOCARDIOPATHY. Identifiers: Orphanet 217569, MedGen C0007194, MeSH D002312, MONDO:0005045, HP:0001639.

Allele frequency attached by ClinVar (database versions not stated): TOPMed 0.00029; ESP Exome Variant Server 0.00038; gnomAD 0.00038.
gnomAD v4.1: 885 of 1,614,034 alleles (0.055%); highest among the groups gnomAD compares: Non-Finnish European, 0.068%; 2 homozygotes.

Submissions 1 to 9 of 20:

Labcorp Genetics (formerly Invitae), Labcorp
Classification: Uncertain significance for Hypertrophic cardiomyopathy 10. Last evaluated: 2025-12-29. Review status: criteria provided, single submitter. Criteria: Invitae Variant Classification Sherloc (09022015). Collection method: clinical testing. Allele origin: germline.
Comment: This sequence change replaces asparagine, which is neutral and polar, with lysine, which is basic and polar, at codon 47 of the MYL2 protein (p.Asn47Lys). This variant is present in population databases (rs199474808, gnomAD 0.04%). This missense change has been observed in individual(s) with MYL2-related conditions (PMID: 11748309, 24111713, 27435932, 33558530, 37652022). ClinVar contains an entry for this variant (Variation ID: 31766). An algorithm developed to predict the effect of missense changes on protein structure and function (PolyPhen-2) suggests that this variant is likely to be tolerated. Experimental studies have shown that this missense change affects MYL2 function (PMID: 14594949, 18929571, 19150977, 20855589, 33337957). In summary, the available evidence is currently insufficient to determine the role of this variant in disease. Therefore, it has been classified as a Variant of Uncertain Significance.

GeneDx
Classification: Uncertain significance. Last evaluated: 2025-12-04. Review status: criteria provided, single submitter. Criteria: GeneDx Variant Classification Process June 2021. Collection method: clinical testing. Allele origin: germline. Affected: yes.
Comment: Reported in patients with HCM and DCM in published literature; several patients harbored additional cardiogenetic variants (PMID: 11748309, 15483641, 24111713, 35653365, 34935411, 25351510); Several in vitro assays have demonstrated that p.(N47K) impairs myosin kinetics, and in vivo studies in transgenic mice have shown that p.(N47K) causes reduced cardiac function and hypertrophy; nevertheless, it is uncertain how these results might translate to the development of HCM in humans (PMID: 14594949, 16837010, 19150977, 18929571, 20855589, 26116789, 28467684); In silico analysis suggests that this missense variant does not alter protein structure/function; This variant is associated with the following publications: (PMID: 25637381, 31104103, 23299917, 15483641, 14594949, 20855589, 24111713, 28301460, 28467684, 16837010, 19150977, 26116789, 26284228, 28518168, 30706179, 11102452, 12668451, 34797172, 37937776, 35653365, 22958901, 31315475, 33337957, 35680059, 35345275, 33558530, 11748309, 27435932, 18929571, 34935411, 25351510, 21415409, 24842367, 39595988, 35629155, 37904629, 38489124, 37652022)

Color Diagnostics, LLC DBA Color Health
Classification: Likely benign for Cardiomyopathy. Last evaluated: 2025-11-21. Review status: criteria provided, single submitter. Criteria: ACMG Guidelines, 2015. Collection method: clinical testing. Allele origin: germline.

Women's Health and Genetics/Laboratory Corporation of America, LabCorp
Classification: Uncertain significance. Last evaluated: 2025-06-10. Review status: criteria provided, single submitter. Criteria: LabCorp Variant Classification Summary - May 2015. Collection method: clinical testing. Allele origin: germline.
Comment: Variant summary: MYL2 c.141C>A (p.Asn47Lys) results in a non-conservative amino acid change in the encoded protein sequence. Algorithms developed to predict the effect of missense changes on protein structure and function are either unavailable or do not agree on the potential impact of this missense change. The variant allele was found at a frequency of 0.00017 in 251444 control chromosomes. This frequency is not significantly higher than estimated for a pathogenic variant in MYL2 causing Myopathy, Myofibrillar, 12, Infantile-Onset, With Cardiomyopathy, allowing no conclusion about variant significance. c.141C>A has been observed in individuals affected with clinical features of MYL2-related disorders (Andersen_2001, Methner_2016, Kurzlechner_2022). Multiple publications reported experimental evidence evaluating an impact on protein function and this variants affected the MYL2 protein function (Szczesna-Cordary_2004, Greenberg_2009, Greenberg_2010). The following publications have been ascertained in the context of this evaluation (PMID: 15483641, 15706574, 12668451, 16076902, 18056765, 18929571, 11748309, 19035361, 20855589, 35629155, 27435932, 14594949). ClinVar contains an entry for this variant (Variation ID: 31766). Based on the evidence outlined above, the variant was classified as uncertain significance.

Blueprint Genetics
Classification: Likely benign. Last evaluated: 2024-11-26. Review status: criteria provided, single submitter. Criteria: ACMG Guidelines, 2015. Collection method: clinical testing. Allele origin: germline.

All of Us Research Program, National Institutes of Health
Classification: Uncertain significance for Hypertrophic cardiomyopathy. Last evaluated: 2024-09-23. Review status: criteria provided, single submitter. Criteria: ACMG Guidelines, 2015. Collection method: clinical testing. Allele origin: germline. Inheritance: Autosomal dominant inheritance. Observed: 82 variant alleles, 82 heterozygotes.
Comment: This missense variant replaces asparagine with lysine at codon 47 of the MYL2 protein. Computational prediction tools indicate that this variant has a neutral impact on protein structure and function. Experimental studies in vitro and in transgenic animal models have shown that this variant causes a reduction in Ca2+ binding, an increase in Ca2+ sensitivity of myofibrillar ATPase activity, and in a reduction in force and power output (PMID: 14594949, 18929571, 19150977, 20855589, 31315475, 33558530). This variant has been reported in several individuals affected with hypertrophic cardiomyopathy (PMID: 11748309, 24111713, 25351510, 33558530, 38489124), in two individuals affected with dilated cardiomyopathy (PMID: 34935411, 37904629), and in one individual affected with unexplained sudden death (PMID: 27435932). This variant also occurs at an appreciable frequency in the general population and has been identified in 55/282836 chromosomes in the general population by the Genome Aggregation Database (gnomAD). This variant has also been found in individuals referred for cardiomyopathy genetic testing at a commercial laboratory, several of whom harbored other deleterious variants (ClinVar variation ID 31766). In summary, although experimental studies indicate this variant may have a deleterious impact on protein function, this variant has not been observed in a significant number of affected individuals and has not been shown to segregate with disease in family studies. The available evidence is insufficient to determine the role of this variant in disease conclusively. Therefore, this variant is classified as a Variant of Uncertain Significance.

This study involves interpretation of variants in research participants for the purpose of population health screening. Participant phenotype was not available at the time of variant classification. Additional details can be found in publication PMID: 35346344, PMCID: PMC8962531

Mayo Clinic Laboratories, Mayo Clinic
Classification: Uncertain significance. Last evaluated: 2024-08-30. Review status: criteria provided, single submitter. Criteria: ACMG Guidelines, 2015. Collection method: clinical testing. Allele origin: germline. Observed: 1 variant allele.
Comment: BS1, BS2_supporting, BP4, PS3_moderate, PS4_supporting

Ambry Genetics
Classification: Likely benign for Cardiovascular phenotype. Last evaluated: 2024-02-02. Review status: criteria provided, single submitter. Criteria: Ambry Variant Classification Scheme 2023. Collection method: clinical testing. Allele origin: germline.

CHEO Genetics Diagnostic Laboratory, Children's Hospital of Eastern Ontario
Classification: Uncertain significance for Cardiomyopathy. Last evaluated: 2022-08-30. Review status: criteria provided, single submitter. Criteria: ACMG Guidelines, 2015. Collection method: clinical testing. Allele origin: germline.